The following is an entry in ClinVar:

NM_003632.3(CNTNAP1):c.2680C>T (p.Arg894Trp)

Gene: CNTNAP1 (contactin associated protein 1; plus strand). Cytogenetic location: 17q21.2.
Variant type: single nucleotide variant.
Coding change: c.2680C>T on transcript NM_003632.3 (MANE Select); coding-DNA position 2680, C replaced by T.
Protein change: p.Arg894Trp; replaces arginine 894 with tryptophan.
Molecular consequence: missense variant.
Genome position (GRCh38, 1-based): chr17:42,692,648, C>T. VCF-style: chr17-42692648-C-T. GRCh37 (hg19) VCF-style: chr17-40844666-C-T.
Other names: short protein forms R894W.
Identifiers: ClinVar variation 1405066 (VCV001405066.39), dbSNP rs148513528, ClinGen allele CA8582116.

ClinVar aggregate classification (germline): Uncertain significance. Review status: criteria provided, multiple submitters, no conflicts (2 of 4 stars). 2 submissions from 2 submitters: Uncertain significance (2). Last evaluated 2022-11-01.

Allele frequency attached by ClinVar (database versions not stated): gnomAD 0.00001; gnomAD exomes 0.00002 and 0.00004; TOPMed 0.00002; ExAC 0.00005; ESP Exome Variant Server 0.00015.
gnomAD v4.1: 31 of 1,614,076 alleles (0.0019%); highest among the groups gnomAD compares: East Asian, 0.011%; no homozygotes.

Submissions (2):

Labcorp Genetics (formerly Invitae), Labcorp
Classification: Uncertain significance. Last evaluated: 2022-11-01. Review status: criteria provided, single submitter. Criteria: Invitae Variant Classification Sherloc (09022015). Collection method: clinical testing. Allele origin: germline.
Comment: This variant is present in population databases (rs148513528, gnomAD 0.007%). This sequence change replaces arginine, which is basic and polar, with tryptophan, which is neutral and slightly polar, at codon 894 of the CNTNAP1 protein (p.Arg894Trp). This variant has not been reported in the literature in individuals affected with CNTNAP1-related conditions. In summary, the available evidence is currently insufficient to determine the role of this variant in disease. Therefore, it has been classified as a Variant of Uncertain Significance. Algorithms developed to predict the effect of missense changes on protein structure and function are either unavailable or do not agree on the potential impact of this missense change (SIFT: "Deleterious"; PolyPhen-2: "Possibly Damaging"; Align-GVGD: "Class C0"). ClinVar contains an entry for this variant (Variation ID: 1405066).

CeGaT Center for Human Genetics Tuebingen
Classification: Uncertain significance. Last evaluated: 2022-03-01. Review status: criteria provided, single submitter. Criteria: CeGaT Center For Human Genetics Tuebingen Variant Classification Criteria Version 2. Collection method: clinical testing. Allele origin: germline. Affected: yes. Observed: 1 variant allele.